The following is an entry in ClinVar:

NM_001035.3(RYR2):c.4834A>G (p.Ser1612Gly)

Gene: RYR2 (ryanodine receptor 2; plus strand). Cytogenetic location: 1q43.
Variant type: single nucleotide variant.
Coding change: c.4834A>G on transcript NM_001035.3 (MANE Select); coding-DNA position 4834, A replaced by G.
Protein change: p.Ser1612Gly; replaces serine 1612 with glycine.
Molecular consequence: missense variant.
Genome position (GRCh38, 1-based): chr1:237,610,912, A>G. VCF-style: chr1-237610912-A-G. GRCh37 (hg19) VCF-style: chr1-237774212-A-G.
Other names: short protein forms S1612G.
Identifiers: ClinVar variation 4820415 (VCV004820415.1).
Genomic context (GRCh38, chr1:237,610,912, plus strand): 5'-TCACACGTCCTGTGGAGCAGAATGCCCAACCAGTTTTTGAAGGTAGATGTGTCTCGAATA[A>G]GTGAACGCCAAGGCTGGTTGGTGCAGTGTTTGGATCCTCTGCAGTTCATGTCTCTTCATA-3'
Protein context (NP_001026.2, residues 1602-1622): QFLKVDVSRI[Ser1612Gly]ERQGWLVQCL

ClinVar aggregate classification (germline): Uncertain significance (1 of 4 stars; one submission).

Conditions:
Cardiovascular phenotype. Identifiers: MedGen CN230736.

Submission:

Molecular Diagnostic Laboratory for Inherited Cardiovascular Disease, Montreal Heart Institute
Classification: Uncertain significance for Cardiovascular phenotype. Last evaluated: 2026-03-27. Review status: criteria provided, single submitter. Criteria: ACMG Guidelines, 2015. Collection method: clinical testing. Allele origin: germline. Affected: yes.
Comment: PM2, PP2